The following is an entry in ClinVar:

NM_020791.4(TAOK1):c.928C>T (p.Arg310Ter)

Gene: TAOK1 (TAO kinase 1; plus strand). Cytogenetic location: 17q11.2.
Variant type: single nucleotide variant.
Coding change: c.928C>T on transcript NM_020791.4 (MANE Select); coding-DNA position 928, C replaced by T.
Protein change: p.Arg310Ter; replaces arginine 310 with a stop codon.
Molecular consequence: nonsense.
Genome position (GRCh38, 1-based): chr17:29,495,656, C>T. VCF-style: chr17-29495656-C-T. GRCh37 (hg19) VCF-style: chr17-27822674-C-T.
Other names: c.928C>T, p.Arg310Ter (NM_025142.1); short protein forms R310*.
Identifiers: ClinVar variation 2579940 (VCV002579940.2), dbSNP rs865873514, ClinGen allele CA289645002.

ClinVar aggregate classification (germline): Pathogenic (1 of 4 stars; one submission).

Submission:

GeneDx
Classification: Pathogenic. Last evaluated: 2025-08-26. Review status: criteria provided, single submitter. Criteria: GeneDx Variant Classification Process June 2021. Collection method: clinical testing. Allele origin: germline.
Comment: Nonsense variant predicted to result in protein truncation or nonsense mediated decay in a gene for which loss of function is a known mechanism of disease; Not observed at significant frequency in large population cohorts (gnomAD); Has not been previously published as pathogenic or benign to our knowledge